The following is an entry in ClinVar:

ClinVar aggregate classification (germline): Uncertain significance (1 of 4 stars; one submission).

Conditions:
Inborn genetic diseases. Identifiers: MedGen C0950123, MeSH D030342.

Submission:

Ambry Genetics
Classification: Uncertain significance for Inborn genetic diseases. Last evaluated: 2024-10-13. Review status: criteria provided, single submitter. Criteria: Ambry Variant Classification Scheme 2023. Collection method: clinical testing. Allele origin: germline.
Comment: The p.H50Y variant (also known as c.148C>T), located in coding exon 2 of the EPAS1 gene, results from a C to T substitution at nucleotide position 148. The histidine at codon 50 is replaced by tyrosine, an amino acid with similar properties. This amino acid position is conserved. In addition, this alteration is predicted to be tolerated by in silico analysis. Based on the available evidence, the clinical significance of this variant remains unclear.

NM_001430.5(EPAS1):c.148C>T (p.His50Tyr)

Gene: EPAS1 (endothelial PAS domain protein 1; plus strand). Cytogenetic location: 2p21.
Variant type: single nucleotide variant.
Coding change: c.148C>T on transcript NM_001430.5 (MANE Select); coding-DNA position 148, C replaced by T.
Protein change: p.His50Tyr; replaces histidine 50 with tyrosine.
Molecular consequence: missense variant.
Genome position (GRCh38, 1-based): chr2:46,346,994, C>T. VCF-style: chr2-46346994-C-T. GRCh37 (hg19) VCF-style: chr2-46574133-C-T.
Other names: short protein forms H50Y.
Identifiers: ClinVar variation 3509003 (VCV003509003.1).